The following is an entry in ClinVar:

NM_001374736.1(DST):c.21181G>A (p.Val7061Met)

Gene: DST (dystonin; minus strand). Cytogenetic location: 6p12.1.
Variant type: single nucleotide variant.
Coding change: c.21181G>A on transcript NM_001374736.1 (MANE Select); coding-DNA position 21181, G replaced by A.
Protein change: p.Val7061Met; replaces valine 7061 with methionine.
Molecular consequence: missense variant.
Genome position (GRCh38, 1-based): chr6:56,485,338, C>T on the plus strand (G>A on the coding strand, the complement: DST is on the minus strand). VCF-style: chr6-56485338-C-T. GRCh37 (hg19) VCF-style: chr6-56350136-C-T.
Other names: c.14824G>A, p.Val4942Met (NM_001144769.5); c.14410G>A, p.Val4804Met (NM_001144770.2); c.21181G>A, p.Val7061Met (NM_001374722.1); c.20221G>A, p.Val6741Met (NM_001374729.1); c.13963G>A, p.Val4655Met (NM_001374730.1); c.21208G>A, p.Val7070Met (NM_001374734.1); c.13312G>A, p.Val4438Met (NM_015548.5); c.14290G>A, p.Val4764Met (NM_183380.4); short protein forms V4438M, V7070M, V4764M, V4942M, V4655M, V4804M, V7061M, V6741M.
Identifiers: ClinVar variation 971305 (VCV000971305.5), dbSNP rs1308825083, ClinGen allele CA364512506.

ClinVar aggregate classification (germline): Uncertain significance (1 of 4 stars; one submission).

Conditions:
Epidermolysis bullosa simplex 3, localized or generalized intermediate, with BP230 deficiency (EBS3). Also called: Epidermolysis bullosa simplex, autosomal recessive 2; Epidermolysis bullosa simplex due to BP230 deficiency. Identifiers: Orphanet 412181, MedGen C3809470, MONDO:0014180, OMIM 615425.
Hereditary sensory and autonomic neuropathy type 6. Also called: Neuropathy, hereditary sensory and autonomic, type VI; HSAN VI. Identifiers: Orphanet 314381, MedGen C3539003, MONDO:0013839, OMIM 614653.

Allele frequency attached by ClinVar (database versions not stated): gnomAD exomes below 0.00001 and 0.00001; gnomAD 0.00001; TOPMed 0.00001.
gnomAD v4.1: 5 of 1,613,642 alleles (0.00031%); highest among the groups gnomAD compares: East Asian, 0.0045%; no homozygotes.

Submission:

Labcorp Genetics (formerly Invitae), Labcorp
Classification: Uncertain significance for Epidermolysis bullosa simplex 3, localized or generalized intermediate, with BP230 deficiency; Hereditary sensory and autonomic neuropathy type 6. Last evaluated: 2021-10-01. Review status: criteria provided, single submitter. Criteria: Invitae Variant Classification Sherloc (09022015). Collection method: clinical testing. Allele origin: germline.
Comment: This sequence change replaces valine with methionine at codon 4438 of the DST protein (p.Val4438Met). The DST gene has multiple clinically relevant transcripts. This variant occurs in alternate transcript NM_015548.4, and corresponds to NM_001723.5:c.*53963G>A in the primary transcript. This variant is not present in population databases (ExAC no frequency). This variant has not been reported in the literature in individuals affected with DST-related conditions. Experimental studies and prediction algorithms are not available or were not evaluated, and the functional significance of this variant is currently unknown. In summary, the available evidence is currently insufficient to determine the role of this variant in disease. Therefore, it has been classified as a Variant of Uncertain Significance.